The following is an entry in ClinVar:

ClinVar aggregate classification (germline): Uncertain significance. Review status: criteria provided, multiple submitters, no conflicts (2 of 4 stars). 2 submissions from 2 submitters: Uncertain significance (2). Last evaluated 2026-01-11.

Conditions:
Cardiovascular phenotype. Identifiers: MedGen CN230736.
Capillary malformation-arteriovenous malformation syndrome. Also called: Capillary malformation-arteriovenous malformation. Identifiers: Orphanet 137667, MedGen C1842180, MONDO:0012016.

gnomAD v4.1: 7 of 1,612,370 alleles (0.00043%); highest among the groups gnomAD compares: African/African-American, 0.0013%; no homozygotes.

Submissions (2):

Labcorp Genetics (formerly Invitae), Labcorp
Classification: Uncertain significance for Capillary malformation-arteriovenous malformation syndrome. Last evaluated: 2026-01-11. Review status: criteria provided, single submitter. Criteria: Invitae Variant Classification Sherloc (09022015). Collection method: clinical testing. Allele origin: germline.
Comment: This sequence change replaces glycine, which is neutral and non-polar, with arginine, which is basic and polar, at codon 88 of the RASA1 protein (p.Gly88Arg). This variant is present in population databases (rs369735817, gnomAD 0.002%). This variant has not been reported in the literature in individuals affected with RASA1-related conditions. ClinVar contains an entry for this variant (Variation ID: 1346635). An algorithm developed to predict the effect of missense changes on protein structure and function (PolyPhen-2) suggests that this variant is likely to be disruptive. In summary, the available evidence is currently insufficient to determine the role of this variant in disease. Therefore, it has been classified as a Variant of Uncertain Significance.

Ambry Genetics
Classification: Uncertain significance for Cardiovascular phenotype. Last evaluated: 2021-09-30. Review status: criteria provided, single submitter. Criteria: Ambry Variant Classification Scheme 2023. Collection method: clinical testing. Allele origin: germline.

NM_002890.3(RASA1):c.262G>A (p.Gly88Arg)

Gene: RASA1 (RAS p21 protein activator 1; plus strand). Cytogenetic location: 5q14.3.
Variant type: single nucleotide variant.
Coding change: c.262G>A on transcript NM_002890.3 (MANE Select); coding-DNA position 262, G replaced by A.
Protein change: p.Gly88Arg; replaces glycine 88 with arginine.
Molecular consequence: missense variant.
Genome position (GRCh38, 1-based): chr5:87,268,713, G>A. VCF-style: chr5-87268713-G-A. GRCh37 (hg19) VCF-style: chr5-86564530-G-A.
Other names: short protein forms G88R.
Identifiers: ClinVar variation 1346635 (VCV001346635.10), dbSNP rs369735817, ClinGen allele CA3335371.
Genomic context (GRCh38, chr5:87,268,713, plus strand): 5'-GGGTCAGAGTTCCTAGGAGCCGGGTCTGTGGCAGGGGCACTGGGGGGAGCTGGACTGACA[G>A]GGGGAGGTACTGCTGCTGGCGTAGCTGGTGCTGCTGCTGGCGTGGCCGGTGCTGCTGTTG-3'
Protein context (NP_002881.1, residues 78-98): AGALGGAGLT[Gly88Arg]GGTAAGVAGA